The following is an entry in ClinVar:

NM_001365951.3(KIF1B):c.4367-5C>G

Gene: KIF1B (kinesin family member 1B; plus strand). Cytogenetic location: 1p36.22.
Variant type: single nucleotide variant.
Coding change: c.4367-5C>G on transcript NM_001365951.3 (MANE Select); 5 bases into the intron before coding-DNA position 4367, C replaced by G.
Molecular consequence: intron variant.
Genome position (GRCh38, 1-based): chr1:10,365,095, C>G. VCF-style: chr1-10365095-C-G. GRCh37 (hg19) VCF-style: chr1-10425153-C-G.
Other names: c.4229-5C>G (NM_015074.3); c.4367-5C>G (NM_001365952.1).
Identifiers: ClinVar variation 1738873 (VCV001738873.2), dbSNP rs2102349814, ClinGen allele CA2580060462.
Genomic context (GRCh38, chr1:10,365,095, plus strand): 5'-GTTTTGACCTAAACTTGGAATTGAATTTTTTTTCTGAAACAAAAACTTGTTTCCTCTTGT[C>G]TTAGGTATGCAGAGAAGGAGAAGAAAAATCTTAGATACGTCAGTGGCATATGTGCGGGGA-3'

ClinVar aggregate classification (germline): Uncertain significance (1 of 4 stars; one submission).

Submission:

Ambry Genetics
Classification: Uncertain significance. Last evaluated: 2023-10-12. Review status: criteria provided, single submitter. Criteria: Ambry Variant Classification Scheme 2023. Collection method: clinical testing. Allele origin: germline.
Comment: The c.4229-5C>G intronic variant results from a C to G substitution 5 nucleotides upstream from coding exon 39 in the KIF1B gene. This nucleotide position is not well conserved in available vertebrate species. In silico splice site analysis predicts that this alteration will not have any significant effect on splicing. The evidence for this gene-disease relationship is limited; therefore, the clinical significance of this alteration is unclear.